The following is an entry in ClinVar:

ClinVar aggregate classification (germline): Uncertain significance. Review status: criteria provided, multiple submitters, no conflicts (2 of 4 stars). 2 submissions from 2 submitters: Uncertain significance (2). Last evaluated 2025-07-08.

Conditions:
Beckwith-Wiedemann syndrome (BWS). Also called: Exomphalos macroglossia gigantism syndrome; EMG SYNDROME. Identifiers: Orphanet 116, MedGen C0004903, MONDO:0007534, OMIM 130650.
Inborn genetic diseases. Identifiers: MedGen C0950123, MeSH D030342.

Submissions (2):

Ambry Genetics
Classification: Uncertain significance for Inborn genetic diseases. Last evaluated: 2025-07-08. Review status: criteria provided, single submitter. Criteria: Ambry Variant Classification Scheme 2023. Collection method: clinical testing. Allele origin: germline.

Labcorp Genetics (formerly Invitae), Labcorp
Classification: Uncertain significance for Beckwith-Wiedemann syndrome. Last evaluated: 2024-12-02. Review status: criteria provided, single submitter. Criteria: Invitae Variant Classification Sherloc (09022015). Collection method: clinical testing. Allele origin: germline.
Comment: This sequence change replaces arginine, which is basic and polar, with lysine, which is basic and polar, at codon 314 of the CDKN1C protein (p.Arg314Lys). This variant is not present in population databases (gnomAD no frequency). This variant has not been reported in the literature in individuals affected with CDKN1C-related conditions. ClinVar contains an entry for this variant (Variation ID: 957828). Invitae Evidence Modeling of protein sequence and biophysical properties (such as structural, functional, and spatial information, amino acid conservation, physicochemical variation, residue mobility, and thermodynamic stability) has been performed for this missense variant. However, the output from this modeling did not meet the statistical confidence thresholds required to predict the impact of this variant on CDKN1C protein function. In summary, the available evidence is currently insufficient to determine the role of this variant in disease. Therefore, it has been classified as a Variant of Uncertain Significance.

NM_001122630.2(CDKN1C):c.908G>A (p.Arg303Lys)

Gene: CDKN1C (cyclin dependent kinase inhibitor 1C; minus strand). Cytogenetic location: 11p15.4.
Variant type: single nucleotide variant.
Coding change: c.908G>A on transcript NM_001122630.2 (MANE Select); coding-DNA position 908, G replaced by A.
Protein change: p.Arg303Lys; replaces arginine 303 with lysine.
Molecular consequence: missense variant.
Genome position (GRCh38, 1-based): chr11:2,884,014, C>T on the plus strand (G>A on the coding strand, the complement: CDKN1C is on the minus strand). VCF-style: chr11-2884014-C-T. GRCh37 (hg19) VCF-style: chr11-2905244-C-T.
Other names: c.941G>A, p.Arg314Lys (NM_000076.2, NM_001362474.2); c.908G>A, p.Arg303Lys (NM_001122631.2); c.376G>A, p.Gly126Ser (NM_001362475.2); short protein forms G126S, R314K, R303K.
Identifiers: ClinVar variation 957828 (VCV000957828.8), dbSNP rs1015057194, ClinGen allele CA216366893.